The following is an entry in ClinVar:

NM_032043.3(BRIP1):c.1319C>T (p.Ala440Val)

Gene: BRIP1 (BRCA1 interacting DNA helicase 1; minus strand). Cytogenetic location: 17q23.2.
Variant type: single nucleotide variant.
Coding change: c.1319C>T on transcript NM_032043.3 (MANE Select); coding-DNA position 1319, C replaced by T.
Protein change: p.Ala440Val; replaces alanine 440 with valine.
Molecular consequence: missense variant.
Genome position (GRCh38, 1-based): chr17:61,799,121, G>A on the plus strand (C>T on the coding strand, the complement: BRIP1 is on the minus strand). VCF-style: chr17-61799121-G-A. GRCh37 (hg19) VCF-style: chr17-59876482-G-A.
Other names: short protein forms A440V.
Identifiers: ClinVar variation 1769846 (VCV001769846.3), dbSNP rs2145300511, ClinGen allele CA400483398.

ClinVar aggregate classification (germline): Uncertain significance (1 of 4 stars; one submission).

Conditions:
Hereditary cancer-predisposing syndrome. Also called: Hereditary Cancer Syndrome; Hereditary neoplastic syndrome; Neoplastic Syndromes, Hereditary; Tumor predisposition. Identifiers: Orphanet 140162, MedGen C0027672, MeSH D009386, MONDO:0015356.

Submission:

Ambry Genetics
Classification: Uncertain significance for Hereditary cancer-predisposing syndrome. Last evaluated: 2025-04-25. Review status: criteria provided, single submitter. Criteria: Ambry Variant Classification Scheme 2023. Collection method: clinical testing. Allele origin: germline.
Comment: The p.A440V variant (also known as c.1319C>T), located in coding exon 8 of the BRIP1 gene, results from a C to T substitution at nucleotide position 1319. The alanine at codon 440 is replaced by valine, an amino acid with similar properties. This amino acid position is not well conserved in available vertebrate species. In addition, this alteration is predicted to be tolerated by in silico analysis. Since supporting evidence is limited at this time, the clinical significance of this alteration remains unclear.